The following is an entry in ClinVar:

NM_020117.11(LARS1):c.1331C>T (p.Thr444Ile)

Gene: LARS1 (leucyl-tRNA synthetase 1; minus strand). Cytogenetic location: 5q32.
Variant type: single nucleotide variant.
Coding change: c.1331C>T on transcript NM_020117.11 (MANE Select); coding-DNA position 1331, C replaced by T.
Protein change: p.Thr444Ile; replaces threonine 444 with isoleucine.
Molecular consequence: missense variant.
Genome position (GRCh38, 1-based): chr5:146,151,956, G>A on the plus strand (C>T on the coding strand, the complement: LARS1 is on the minus strand). VCF-style: chr5-146151956-G-A. GRCh37 (hg19) VCF-style: chr5-145531519-G-A.
Other names: c.1193C>T, p.Thr398Ile (NM_001317964.2); c.1169C>T, p.Thr390Ile (NM_001317965.2); c.1250C>T, p.Thr417Ile (NM_016460.4); c.1331C>T (NM_020117.9); short protein forms T390I, T398I, T417I, T444I.
Identifiers: ClinVar variation 1980128 (VCV001980128.5), dbSNP rs756133354, ClinGen allele CA3489646.
Genomic context (GRCh38, chr5:146,151,956, plus strand): 5'-TTTGCTTCTGCAAGTTTTTCCCGGTCATTCTGGCTCTGAATTTTCAACTCATCACAAATG[G>A]TTACAGCAGAAAGATTTCCAAAACCTGGGATTTCAATGACTGGCACCTGCAGCAAACAGC-3'
Protein context (NP_064502.9, residues 434-454): IPGFGNLSAV[Thr444Ile]ICDELKIQSQ

ClinVar aggregate classification (germline): Uncertain significance. Review status: criteria provided, multiple submitters, no conflicts (2 of 4 stars). 2 submissions from 2 submitters: Uncertain significance (2). Last evaluated 2024-03-29.

Allele frequency attached by ClinVar (database versions not stated): gnomAD exomes 0.00001; TOPMed 0.00001; ExAC 0.00002; gnomAD 0.00002.
gnomAD v4.1: 18 of 1,613,924 alleles (0.0011%); highest among the groups gnomAD compares: Middle Eastern, 0.082%; no homozygotes.

Submissions (2):

GeneDx
Classification: Uncertain significance. Last evaluated: 2024-03-29. Review status: criteria provided, single submitter. Criteria: GeneDx Variant Classification Process June 2021. Collection method: clinical testing. Allele origin: germline. Affected: yes.
Comment: Not observed at significant frequency in large population cohorts (gnomAD); In silico analysis supports that this missense variant has a deleterious effect on protein structure/function; Has not been previously published as pathogenic or benign to our knowledge

Labcorp Genetics (formerly Invitae), Labcorp
Classification: Uncertain significance. Last evaluated: 2023-05-08. Review status: criteria provided, single submitter. Criteria: Invitae Variant Classification Sherloc (09022015). Collection method: clinical testing. Allele origin: germline.
Comment: In summary, the available evidence is currently insufficient to determine the role of this variant in disease. Therefore, it has been classified as a Variant of Uncertain Significance. Advanced modeling of protein sequence and biophysical properties (such as structural, functional, and spatial information, amino acid conservation, physicochemical variation, residue mobility, and thermodynamic stability) performed at Invitae indicates that this missense variant is not expected to disrupt LARS protein function. ClinVar contains an entry for this variant (Variation ID: 1980128). This variant has not been reported in the literature in individuals affected with LARS-related conditions. This variant is present in population databases (rs756133354, gnomAD 0.004%). This sequence change replaces threonine, which is neutral and polar, with isoleucine, which is neutral and non-polar, at codon 444 of the LARS protein (p.Thr444Ile).